The following is an entry in ClinVar:

ClinVar aggregate classification (germline): Conflicting classifications of pathogenicity. Review status: criteria provided, conflicting classifications (1 of 4 stars). 2 submissions from 2 submitters: Uncertain significance (1); Likely benign (1). Last evaluated 2025-08-29.

Conditions:
Atrial fibrillation, familial, 18 (ATFB18). Identifiers: MedGen C4310636, MONDO:0015001, OMIM 617280.

Submissions (2):

Labcorp Genetics (formerly Invitae), Labcorp
Classification: Uncertain significance for Atrial fibrillation, familial, 18. Last evaluated: 2025-08-29. Review status: criteria provided, single submitter. Criteria: Invitae Variant Classification Sherloc (09022015). Collection method: clinical testing. Allele origin: germline.
Comment: This variant, c.60_65dup, results in the insertion of 2 amino acid(s) of the MYL4 protein (p.Ala30_Pro31dup), but otherwise preserves the integrity of the reading frame. This variant is present in population databases (rs774642552, gnomAD 0.005%). This variant has not been reported in the literature in individuals affected with MYL4-related conditions. Experimental studies and prediction algorithms are not available or were not evaluated, and the functional significance of this variant is currently unknown. In summary, the available evidence is currently insufficient to determine the role of this variant in disease. Therefore, it has been classified as a Variant of Uncertain Significance.

Blueprint Genetics
Classification: Likely benign. Last evaluated: 2023-09-28. Review status: criteria provided, single submitter. Criteria: ACMG Guidelines, 2015. Collection method: clinical testing. Allele origin: germline.

NM_002476.2(MYL4):c.48TCCAGC[4] (p.16AP[9])

Gene: MYL4 (myosin light chain 4; plus strand). Cytogenetic location: 17q21.32.
Variant type: Microsatellite.
Coding change: c.48TCCAGC[4] on transcript NM_002476.2 (MANE Select); four copies in a row of the 6-base unit TCCAGC starting at c.48; the reference has three copies in a row; one copy, 6 bases duplicated.
Protein change: p.16AP[9].
Molecular consequence: inframe insertion.
Genome position (GRCh38, 1-based): chr17:47,209,482-47,209,487, TCCAGC duplicated; duplicating any 6 consecutive bases within chr17:47,209,465-47,209,487 gives the same sequence; the position shown is the placement nearest the transcript's 3' end. VCF-style (leftmost placement, unchanged base first): chr17-47209464-G-GCCAGCT. GRCh37 (hg19) VCF-style: chr17-45286830-G-GCCAGCT.
Other names: c.48TCCAGC[4], p.16AP[9] (NM_001002841.2); c.60_65dupTCCAGC (NM_001002841.1).
Identifiers: ClinVar variation 944761 (VCV000944761.9), dbSNP rs763415247, ClinGen allele CA8622555.